The following is an entry in ClinVar:

NM_001382567.1(STIM1):c.2026C>G (p.Pro676Ala)

Genes: STIM1 (stromal interaction molecule 1; plus strand), LOC124418421 (Sharpr-MPRA regulatory region 9588; plus strand). Cytogenetic location: 11p15.4.
Variant type: single nucleotide variant.
Coding change: c.2026C>G on transcript NM_001382567.1 (MANE Select); coding-DNA position 2026, C replaced by G.
Protein change: p.Pro676Ala; replaces proline 676 with alanine.
Molecular consequence: missense variant. On other transcripts: 3 prime UTR variant (4), non-coding transcript variant (3).
Genome position (GRCh38, 1-based): chr11:4,091,673, C>G. VCF-style: chr11-4091673-C-G. GRCh37 (hg19) VCF-style: chr11-4112903-C-G.
Other names: c.2251C>G, p.Pro751Ala (NM_001277961.3); c.*347C>G (NM_001277962.2, NM_001382578.1, NM_001382579.1 and 1 more transcripts); c.2029C>G, p.Pro677Ala (NM_001382566.1); c.1954C>G, p.Pro652Ala (NM_001382568.1); c.1798C>G, p.Pro600Ala (NM_001382569.1); c.1705C>G, p.Pro569Ala (NM_001382570.1); c.1453C>G, p.Pro485Ala (NM_001382571.1); c.1711C>G, p.Pro571Ala (NM_001382575.1, NM_001382576.1, NM_001382577.1); and 2 more; short protein forms P482A, P485A, P569A, P571A, P600A, P645A, P652A, P676A.
Identifiers: ClinVar variation 992542 (VCV000992542.8), dbSNP rs1164327463, ClinGen allele CA379197984.

ClinVar aggregate classification (germline): Uncertain significance. Review status: criteria provided, multiple submitters, no conflicts (2 of 4 stars). 2 submissions from 2 submitters: Uncertain significance (2). Last evaluated 2022-07-02.

Conditions:
Stormorken syndrome (STRMK). Also called: THROMBOCYTOPATHY, ASPLENIA, AND MIOSIS. Identifiers: Orphanet 3204, MedGen C1861451, MONDO:0008497, OMIM 185070.
Myopathy with tubular aggregates (TAM). Also called: Tubular Aggregate Myopathy. Identifiers: Orphanet 2593, MedGen C0410207, MONDO:0008051.
Combined immunodeficiency due to STIM1 deficiency. Also called: STIM1 DEFICIENCY; IMMUNODEFICIENCY 10. Identifiers: Orphanet 169090, Orphanet 317430, MedGen C2748557, MONDO:0013008, OMIM 612783.
Myopathy, tubular aggregate, 1 (TAM1). Identifiers: MedGen C4011726, MONDO:0024531, OMIM 160565.

Allele frequency attached by ClinVar (database versions not stated): gnomAD 0.00001; TOPMed 0.00001.
gnomAD v4.1: 3 of 1,614,120 alleles (0.00019%); highest among the groups gnomAD compares: Admixed American, 0.005%; no homozygotes.

Submissions (2):

Labcorp Genetics (formerly Invitae), Labcorp
Classification: Uncertain significance for Myopathy with tubular aggregates; Combined immunodeficiency due to STIM1 deficiency; Stormorken syndrome. Last evaluated: 2022-07-02. Review status: criteria provided, single submitter. Criteria: Invitae Variant Classification Sherloc (09022015). Collection method: clinical testing. Allele origin: germline.
Comment: This sequence change replaces proline, which is neutral and non-polar, with alanine, which is neutral and non-polar, at codon 645 of the STIM1 protein (p.Pro645Ala). In summary, the available evidence is currently insufficient to determine the role of this variant in disease. Therefore, it has been classified as a Variant of Uncertain Significance. Algorithms developed to predict the effect of missense changes on protein structure and function are either unavailable or do not agree on the potential impact of this missense change (SIFT: "Tolerated"; PolyPhen-2: "Probably Damaging"; Align-GVGD: "Class C0"). ClinVar contains an entry for this variant (Variation ID: 992542). This variant has not been reported in the literature in individuals affected with STIM1-related conditions. This variant is present in population databases (no rsID available, gnomAD 0.006%).

Center for Genomics, Ann and Robert H. Lurie Children's Hospital of Chicago
Classification: Uncertain significance for Myopathy, tubular aggregate, 1; Stormorken syndrome; Combined immunodeficiency due to STIM1 deficiency. Review status: criteria provided, single submitter. Criteria: ACMG Guidelines, 2015. Collection method: clinical testing. Allele origin: germline.
Comment: STIM1 NM_003156.3 exon 12 p.Pro645Ala (c.1933C>G): This variant has not been reported in the literature but is present in 0.005% (2/34592) of Latino alleles in the Genome Aggregation Database. Evolutionary conservation suggests that this variant may impact the protein; computational predictive tools for this variant are unclear. In summary, data on this variant is insufficient for disease classification. Therefore, the clinical significance of this variant is uncertain.